The following is an entry in ClinVar:

NM_001127178.3(PIGG):c.2780G>C (p.Cys927Ser)

Gene: PIGG (phosphatidylinositol glycan anchor biosynthesis class G (EMM blood group); plus strand). Cytogenetic location: 4p16.3.
Variant type: single nucleotide variant.
Coding change: c.2780G>C on transcript NM_001127178.3 (MANE Select); coding-DNA position 2780, G replaced by C.
Protein change: p.Cys927Ser; replaces cysteine 927 with serine.
Molecular consequence: missense variant. On other transcripts: non-coding transcript variant (10).
Genome position (GRCh38, 1-based): chr4:539,197, G>C. VCF-style: chr4-539197-G-C. GRCh37 (hg19) VCF-style: chr4-532986-G-C.
Other names: c.2513G>C, p.Cys838Ser (NM_001289051.2, NM_001345986.2); c.2381G>C, p.Cys794Ser (NM_001289052.2); c.2489G>C, p.Cys830Ser (NM_001345987.2); c.1751G>C, p.Cys584Ser (NM_001345988.2); c.1247G>C, p.Cys416Ser (NM_001345990.2, NM_001345991.2); c.1682G>C, p.Cys561Ser (NM_001345994.2); c.2756G>C, p.Cys919Ser (NM_017733.5); short protein forms C584S, C927S, C416S, C919S, C561S, C794S, C830S, C838S.
Identifiers: ClinVar variation 861721 (VCV000861721.10), dbSNP rs774627627, ClinGen allele CA355913194.

ClinVar aggregate classification (germline): Uncertain significance (1 of 4 stars; one submission).

Conditions:
Intellectual disability, autosomal recessive 53 (NEDHSCA). Also called: GLYCOSYLPHOSPHATIDYLINOSITOL BIOSYNTHESIS DEFECT 13; Mental retardation, autosomal recessive 53; NEURODEVELOPMENTAL DISORDER WITH OR WITHOUT HYPOTONIA, SEIZURES, AND CEREBELLAR ATROPHY. Identifiers: Orphanet 488635, MedGen C4310794, MONDO:0014832, OMIM 616917.

gnomAD v4.1: 1 of 1,613,592 alleles (0.000062%); highest among the groups gnomAD compares: Non-Finnish European, 0.000085%; no homozygotes.

Submission:

Labcorp Genetics (formerly Invitae), Labcorp
Classification: Uncertain significance for Intellectual disability, autosomal recessive 53. Last evaluated: 2022-02-24. Review status: criteria provided, single submitter. Criteria: Invitae Variant Classification Sherloc (09022015). Collection method: clinical testing. Allele origin: germline.
Comment: In summary, the available evidence is currently insufficient to determine the role of this variant in disease. Therefore, it has been classified as a Variant of Uncertain Significance. Algorithms developed to predict the effect of missense changes on protein structure and function (SIFT, PolyPhen-2, Align-GVGD) all suggest that this variant is likely to be tolerated. ClinVar contains an entry for this variant (Variation ID: 861721). This variant has not been reported in the literature in individuals affected with PIGG-related conditions. This variant is not present in population databases (gnomAD no frequency). This sequence change replaces cysteine, which is neutral and slightly polar, with serine, which is neutral and polar, at codon 927 of the PIGG protein (p.Cys927Ser).